The following is an entry in ClinVar:

NM_018192.4(P3H2):c.33_50dup (p.Leu13_Leu18dup)

Genes: P3H2 (prolyl 3-hydroxylase 2; minus strand), LOC123464484 (Sharpr-MPRA regulatory region 10063; plus strand). Cytogenetic location: 3q28.
Variant type: Duplication.
Coding change: c.33_50dup on transcript NM_018192.4 (MANE Select); coding-DNA positions 33 to 50, 18 bases duplicated (GCTGCTGCTGCCGCTGCT).
Protein change: p.Leu13_Leu18dup.
Molecular consequence: inframe insertion. On other transcripts: intron variant (1).
Genome position (GRCh38, 1-based): chr3:190,120,682-190,120,699, AGCAGCGGCAGCAGCAGC duplicated on the plus strand (GCTGCTGCTGCCGCTGCT on the coding strand, the reverse complement: P3H2 is on the minus strand); duplicating any 18 consecutive bases within chr3:190,120,682-190,120,708 gives the same sequence; the c. name uses the placement nearest the transcript's 3' end. VCF-style (leftmost placement, unchanged base first): chr3-190120681-T-TAGCAGCGGCAGCAGCAGC. GRCh37 (hg19) VCF-style: chr3-189838470-T-TAGCAGCGGCAGCAGCAGC.
Other names: c.-64+1504_-64+1521dup (NM_001134418.2).
Identifiers: ClinVar variation 964140 (VCV000964140.8), dbSNP rs747386020, ClinGen allele CA548800516.

ClinVar aggregate classification (germline): Uncertain significance. Review status: criteria provided, multiple submitters, no conflicts (2 of 4 stars). 2 submissions from 2 submitters: Uncertain significance (2). Last evaluated 2022-09-27.

Submissions (2):

Labcorp Genetics (formerly Invitae), Labcorp
Classification: Uncertain significance. Last evaluated: 2022-09-27. Review status: criteria provided, single submitter. Criteria: Invitae Variant Classification Sherloc (09022015). Collection method: clinical testing. Allele origin: germline.
Comment: Experimental studies and prediction algorithms are not available or were not evaluated, and the functional significance of this variant is currently unknown. In summary, the available evidence is currently insufficient to determine the role of this variant in disease. Therefore, it has been classified as a Variant of Uncertain Significance. ClinVar contains an entry for this variant (Variation ID: 964140). This variant has not been reported in the literature in individuals affected with P3H2-related conditions. This variant is present in population databases (no rsID available, gnomAD 0.02%). This variant, c.33_50dup, results in the insertion of 6 amino acid(s) of the P3H2 protein (p.Leu13_Leu18dup), but otherwise preserves the integrity of the reading frame.

Blueprint Genetics
Classification: Uncertain significance. Last evaluated: 2021-12-14. Review status: criteria provided, single submitter. Criteria: ACMG Guidelines, 2015. Collection method: clinical testing. Allele origin: germline.